The following is an entry in ClinVar:

NM_153240.5(NPHP3):c.94G>T (p.Val32Leu)

Genes: NPHP3 (nephrocystin 3; minus strand), NPHP3-ACAD11 (NPHP3-ACAD11 readthrough (NMD candidate); minus strand), NPHP3-AS1 (NPHP3 antisense RNA 1; plus strand), LOC129937586 (ATAC-STARR-seq lymphoblastoid silent region 14743; plus strand). Cytogenetic location: 3q22.1.
Variant type: single nucleotide variant.
Coding change: c.94G>T on transcript NM_153240.5 (MANE Select); coding-DNA position 94, G replaced by T.
Protein change: p.Val32Leu; replaces valine 32 with leucine.
Molecular consequence: missense variant. On other transcripts: non-coding transcript variant (3).
Genome position (GRCh38, 1-based): chr3:132,722,262, C>A on the plus strand (G>T on the coding strand, the complement: NPHP3 is on the minus strand). VCF-style: chr3-132722262-C-A. GRCh37 (hg19) VCF-style: chr3-132441106-C-A.
Other names: short protein forms V32L.
Identifiers: ClinVar variation 5001416 (VCV005001416.1).

ClinVar aggregate classification (germline): Uncertain significance (1 of 4 stars; one submission).

Conditions:
NPHP3-related disorder. Also called: NPHP3-related disorders; NPHP3-related condition. Identifiers: MedGen CN379163.

Submission:

PreventionGenetics, part of Exact Sciences
Classification: Uncertain significance for NPHP3-related condition. Last evaluated: 2025-04-09. Review status: criteria provided, single submitter. Criteria: ACMG Guidelines, 2015. Collection method: clinical testing. Allele origin: germline.
Comment: The NPHP3 c.94G>T variant is predicted to result in the amino acid substitution p.Val32Leu. To our knowledge, this variant has not been reported in the literature or in a large population database (gnomAD), indicating this variant is rare. At this time, the clinical significance of this variant is uncertain due to the absence of conclusive functional and genetic evidence.